The following is an entry in ClinVar:

NM_002878.4(RAD51D):c.626C>T (p.Thr209Ile)

Genes: RAD51D (RAD51 paralog D; minus strand), RAD51L3-RFFL (RAD51L3-RFFL readthrough; minus strand). Cytogenetic location: 17q12.
Variant type: single nucleotide variant.
Coding change: c.626C>T on transcript NM_002878.4 (MANE Select); coding-DNA position 626, C replaced by T.
Protein change: p.Thr209Ile; replaces threonine 209 with isoleucine.
Molecular consequence: missense variant. On other transcripts: non-coding transcript variant (3).
Genome position (GRCh38, 1-based): chr17:35,103,495, G>A on the plus strand (C>T on the coding strand, the complement: RAD51D is on the minus strand). VCF-style: chr17-35103495-G-A. GRCh37 (hg19) VCF-style: chr17-33430514-G-A.
Other names: c.686C>T, p.Thr229Ile (NM_001142571.2); c.290C>T, p.Thr97Ile (NM_133629.3); short protein forms T209I, T97I, T229I.
Identifiers: ClinVar variation 946840 (VCV000946840.6), dbSNP rs2091564459, ClinGen allele CA399087905.

ClinVar aggregate classification (germline): Uncertain significance (1 of 4 stars; one submission).

Conditions:
Breast-ovarian cancer, familial, susceptibility to, 4. Identifiers: Orphanet 145, MedGen C3280345, MONDO:0013669, OMIM 614291.

Submission:

Labcorp Genetics (formerly Invitae), Labcorp
Classification: Uncertain significance for Breast-ovarian cancer, familial, susceptibility to, 4. Last evaluated: 2019-06-27. Review status: criteria provided, single submitter. Criteria: Invitae Variant Classification Sherloc (09022015). Collection method: clinical testing. Allele origin: germline.
Comment: This sequence change replaces threonine with isoleucine at codon 209 of the RAD51D protein (p.Thr209Ile). The threonine residue is weakly conserved and there is a moderate physicochemical difference between threonine and isoleucine. This variant is not present in population databases (ExAC no frequency). In summary, the available evidence is currently insufficient to determine the role of this variant in disease. Therefore, it has been classified as a Variant of Uncertain Significance. Algorithms developed to predict the effect of missense changes on protein structure and function are either unavailable or do not agree on the potential impact of this missense change (SIFT: "Tolerated"; PolyPhen-2: "Possibly Damaging"; Align-GVGD: "Class C0"). This variant has not been reported in the literature in individuals with RAD51D-related conditions.